The following is an entry in ClinVar:

NM_017813.5(BPNT2):c.*3637C>G

Gene: BPNT2 (3'(2'), 5'-bisphosphate nucleotidase 2; minus strand). Cytogenetic location: 8q12.1.
Variant type: single nucleotide variant.
Coding change: c.*3637C>G on transcript NM_017813.5 (MANE Select); 3637 bases downstream of the stop codon, C replaced by G.
Molecular consequence: 3 prime UTR variant.
Genome position (GRCh38, 1-based): chr8:56,960,156, G>C on the plus strand (C>G on the coding strand, the complement: BPNT2 is on the minus strand). VCF-style: chr8-56960156-G-C. GRCh37 (hg19) VCF-style: chr8-57872715-G-C.
Identifiers: ClinVar variation 908434 (VCV000908434.4), dbSNP rs144160061, ClinGen allele CA12939651.

ClinVar aggregate classification (germline): Benign (1 of 4 stars; one submission).

Conditions:
Chondrodysplasia with joint dislocations, gPAPP type. Also called: GPAPP DEFICIENCY. Identifiers: Orphanet 280586, MedGen C3279757, MONDO:0013561, OMIM 614078.

Allele frequency attached by ClinVar (database versions not stated): 1000 Genomes Project 30x 0.00344; 1000 Genomes Project 0.00359; TOPMed 0.00405.

Submission:

Illumina Laboratory Services, Illumina
Classification: Benign for Chondrodysplasia with joint dislocations, gPAPP type. Last evaluated: 2017-04-27. Review status: criteria provided, single submitter. Criteria: ICSL Variant Classification Criteria 13 December 2019. Collection method: clinical testing. Allele origin: germline.
Comment: This variant was observed as part of a predisposition screen in an ostensibly healthy population. A literature search was performed for the gene, cDNA change, and amino acid change (where applicable). No publications were found based on this search. Allele frequency data from public databases was too high to be consistent with this variant causing disease. Therefore, this variant is classified as benign.